The following is an entry in ClinVar:

NM_012471.3(TRPC5):c.2770A>T (p.Ser924Cys)

Gene: TRPC5 (transient receptor potential cation channel subfamily C member 5; minus strand). Cytogenetic location: Xq23.
Variant type: single nucleotide variant.
Coding change: c.2770A>T on transcript NM_012471.3 (MANE Select); coding-DNA position 2770, A replaced by T.
Protein change: p.Ser924Cys; replaces serine 924 with cysteine.
Molecular consequence: missense variant.
Genome position (GRCh38, 1-based): chrX:111,776,465, T>A on the plus strand (A>T on the coding strand, the complement: TRPC5 is on the minus strand). VCF-style: chrX-111776465-T-A. GRCh37 (hg19) VCF-style: chrX-111019693-T-A.
Other names: short protein forms S924C.
Identifiers: ClinVar variation 3348624 (VCV003348624.1).
Genomic context (GRCh38, chrX:111,776,465, plus strand): 5'-CTGAGGAGTCTAAAAGTTTAGAATTTGAGGAGCAGATGCTGGATGCACAGTGAAGAGAGC[T>A]GGAACAGGCTAGAGGGCATTCACTGCTCTGAGCAGCGCCCTGGACTTCACCTAATTCTAC-3'
Protein context (NP_036603.1, residues 914-934): QSSECPLACS[Ser924Cys]SLHCASSICS

ClinVar aggregate classification (germline): Uncertain significance (0 of 4 stars; one submission).

Conditions:
TRPC5-related disorder. Also called: TRPC5-related condition.

Submission:

PreventionGenetics, part of Exact Sciences
Classification: Uncertain significance for TRPC5-related condition. Last evaluated: 2024-02-22. Review status: no assertion criteria provided. Collection method: clinical testing. Allele origin: germline.
Comment: The TRPC5 c.2770A>T variant is predicted to result in the amino acid substitution p.Ser924Cys. To our knowledge, this variant has not been reported in the literature or in a large population database, indicating this variant is rare. At this time, the clinical significance of this variant is uncertain due to the absence of conclusive functional and genetic evidence.